The following is an entry in ClinVar:

NM_177972.3(TUB):c.610G>A (p.Glu204Lys)

Genes: RIC3 (RIC3 acetylcholine receptor chaperone; minus strand), TUB (TUB bipartite transcription factor; plus strand). Cytogenetic location: 11p15.4.
Variant type: single nucleotide variant.
Coding change: c.610G>A on transcript NM_177972.3 (MANE Select); coding-DNA position 610, G replaced by A.
Protein change: p.Glu204Lys; replaces glutamic acid 204 with lysine.
Molecular consequence: missense variant.
Genome position (GRCh38, 1-based): chr11:8,096,729, G>A. VCF-style: chr11-8096729-G-A. GRCh37 (hg19) VCF-style: chr11-8118276-G-A.
Other names: c.775G>A, p.Glu259Lys (NM_003320.5); short protein forms E204K, E259K.
Identifiers: ClinVar variation 3353977 (VCV003353977.1).

ClinVar aggregate classification (germline): Uncertain significance (0 of 4 stars; one submission).

Conditions:
TUB-related disorder. Also called: TUB-related condition.

gnomAD v4.1: 4 of 1,613,930 alleles (0.00025%); highest among the groups gnomAD compares: East Asian, 0.0022%; no homozygotes.

Submission:

PreventionGenetics, part of Exact Sciences
Classification: Uncertain significance for TUB-related condition. Last evaluated: 2024-01-16. Review status: no assertion criteria provided. Collection method: clinical testing. Allele origin: germline.
Comment: The TUB c.775G>A variant is predicted to result in the amino acid substitution p.Glu259Lys. To our knowledge, this variant has not been reported in the literature. This variant is reported in 0.0062% of alleles in individuals of African descent in gnomAD. At this time, the clinical significance of this variant is uncertain due to the absence of conclusive functional and genetic evidence.